The following is an entry in ClinVar:

NC_000017.10:g.(?_41206281)_(41209103_?)del

Gene: BRCA1 (BRCA1 DNA repair associated; minus strand). Cytogenetic location: 17q21.31.
Variant type: Deletion.
Identifiers: ClinVar variation 1420683 (VCV001420683.4).

ClinVar aggregate classification (germline): Pathogenic (1 of 4 stars; one submission).

Conditions:
Hereditary breast ovarian cancer syndrome. Also called: Hereditary breast and/or ovarian cancer syndrome; BRCA1- and BRCA2-Associated Hereditary Breast and Ovarian Cancer; Hereditary breast and ovarian cancer syndrome; Hereditary breast and ovarian cancer; Hereditary breast and ovarian cancer syndrome (HBOC); Breast and ovarian cancer. Identifiers: Orphanet 145, MedGen C0677776, MeSH D061325, MONDO:0003582. Disease mechanism: loss of function.

Submission:

Labcorp Genetics (formerly Invitae), Labcorp
Classification: Pathogenic for Hereditary breast ovarian cancer syndrome. Last evaluated: 2023-03-01. Review status: criteria provided, single submitter. Criteria: Invitae Variant Classification Sherloc (09022015). Collection method: clinical testing. Allele origin: germline.
Comment: This variant has not been reported in the literature in individuals affected with BRCA1-related conditions. This variant results in the deletion of part of exon 19 (c.5243_5277+2788del) of the BRCA1 gene. It is expected to disrupt RNA splicing. Variants that disrupt the donor or acceptor splice site typically lead to a loss of protein function (PMID: 16199547), and loss-of-function variants in BRCA1 are known to be pathogenic (PMID: 20104584). This variant disrupts the p.Arg1751 amino acid residue in BRCA1. Other variant(s) that disrupt this residue have been determined to be pathogenic (PMID: 15172985, 20516115, 30209399, 30765603; Invitae; externalcommunication). This suggests that this residue is clinically significant, and that variants that disrupt this residue are likely to be disease-causing. For these reasons, this variant has been classified as Pathogenic.

Literature cited by the submitters: PubMed 16199547; PubMed 20104584; PubMed 15172985; PubMed 20516115; PubMed 30209399; PubMed 30765603.